The following is an entry in ClinVar:

NM_000520.6(HEXA):c.110dup (p.Tyr37Ter)

Gene: HEXA (hexosaminidase subunit alpha; minus strand). Cytogenetic location: 15q23.
Variant type: Duplication.
Coding change: c.110dup on transcript NM_000520.6 (MANE Select); coding-DNA position 110, one base duplicated (A; older notation c.110dupA).
Protein change: p.Tyr37Ter; replaces tyrosine 37 with a stop codon.
Molecular consequence: nonsense. On other transcripts: non-coding transcript variant (1).
Genome position (GRCh38, 1-based): chr15:72,375,863, T duplicated on the plus strand (A on the coding strand, the reverse complement: HEXA is on the minus strand). VCF-style (leftmost placement, unchanged base first): chr15-72375862-G-GT. GRCh37 (hg19) VCF-style: chr15-72668203-G-GT.
Other names: p.Tyr37Ter; c.110dup, p.Tyr37Ter (NM_001318825.2); short protein forms Y37*.
Identifiers: ClinVar variation 2690925 (VCV002690925.2), dbSNP rs2542582180, ClinGen allele CA2697549201.

ClinVar aggregate classification (germline): Pathogenic (1 of 4 stars; one submission).

Conditions:
Tay-Sachs disease (TSD). Also called: HEXA DEFICIENCY; GM2 gangliosidosis, type 1; Hexosaminidase alpha-subunit deficiency (variant B); Sphingolipidosis, Tay-Sachs; Hexosaminidase A Deficiency; HEXA Disorders. Identifiers: Orphanet 845, MedGen C0039373, MONDO:0010100, OMIM 272800.

Submission:

Foundation for Research in Genetics and Endocrinology, FRIGE's Institute of Human Genetics
Classification: Pathogenic for Tay-Sachs disease. Last evaluated: 2024-01-25. Review status: criteria provided, single submitter. Criteria: ACMG Guidelines, 2015. Collection method: clinical testing. Allele origin: germline. Inheritance: Autosomal recessive inheritance. Affected: yes. Observed: 1 homozygote.
Comment: A homozygous single base pair duplication in exon 1 of the HEXA gene that results in the premature truncation of the protein downstream to codon 37 was detected. The observed variant c.110dup (p.Tyr37Ter) has not been reported in the 1000 genomes and gnomAD database. The in silico prediction of the variant is damaging by MutationTaster. In summary, the variant meets our criteria to be classified as pathogenic.